The following is an entry in ClinVar:

ClinVar aggregate classification (germline): Uncertain significance. Review status: criteria provided, multiple submitters, no conflicts (2 of 4 stars). 2 submissions from 2 submitters: Uncertain significance (2). Last evaluated 2024-03-04.

gnomAD v4.1: 1 of 1,614,176 alleles (0.000062%); highest among the groups gnomAD compares: Admixed American, 0.0017%; no homozygotes.

Submissions (2):

Labcorp Genetics (formerly Invitae), Labcorp
Classification: Uncertain significance. Last evaluated: 2024-03-04. Review status: criteria provided, single submitter. Criteria: Invitae Variant Classification Sherloc (09022015). Collection method: clinical testing. Allele origin: germline.
Comment: This sequence change replaces threonine, which is neutral and polar, with arginine, which is basic and polar, at codon 744 of the ADGRE2 protein (p.Thr744Arg). This variant is present in population databases (no rsID available, gnomAD 0.003%). This variant has not been reported in the literature in individuals affected with ADGRE2-related conditions. ClinVar contains an entry for this variant (Variation ID: 1994953). An algorithm developed to predict the effect of missense changes on protein structure and function (PolyPhen-2) suggests that this variant is likely to be disruptive. In summary, the available evidence is currently insufficient to determine the role of this variant in disease. Therefore, it has been classified as a Variant of Uncertain Significance.

Ambry Genetics
Classification: Uncertain significance. Last evaluated: 2023-06-12. Review status: criteria provided, single submitter. Criteria: Ambry Variant Classification Scheme 2023. Collection method: clinical testing. Allele origin: germline.

NM_013447.4(ADGRE2):c.2231C>G (p.Thr744Arg)

Gene: ADGRE2 (adhesion G protein-coupled receptor E2; minus strand). Cytogenetic location: 19p13.12.
Variant type: single nucleotide variant.
Coding change: c.2231C>G on transcript NM_013447.4 (MANE Select); coding-DNA position 2231, C replaced by G.
Protein change: p.Thr744Arg; replaces threonine 744 with arginine.
Molecular consequence: missense variant.
Genome position (GRCh38, 1-based): chr19:14,743,737, G>C on the plus strand (C>G on the coding strand, the complement: ADGRE2 is on the minus strand). VCF-style: chr19-14743737-G-C. GRCh37 (hg19) VCF-style: chr19-14854549-G-C.
Other names: c.2231C>G (NM_013447.2); c.2057C>G, p.Thr686Arg (NM_001271052.1); c.2084C>G, p.Thr695Arg (NM_152916.2); c.1952C>G, p.Thr651Arg (NM_152917.2); short protein forms T686R, T651R, T695R, T744R.
Identifiers: ClinVar variation 1994953 (VCV001994953.6), dbSNP rs759637864, ClinGen allele CA404451363.